The following is an entry in ClinVar:

NM_002471.4(MYH6):c.3010G>A (p.Ala1004Thr)

Gene: MYH6 (myosin heavy chain 6; minus strand). Cytogenetic location: 14q11.2.
Variant type: single nucleotide variant.
Coding change: c.3010G>A on transcript NM_002471.4 (MANE Select); coding-DNA position 3010, G replaced by A.
Protein change: p.Ala1004Thr; replaces alanine 1004 with threonine.
Molecular consequence: missense variant.
Genome position (GRCh38, 1-based): chr14:23,393,437, C>T on the plus strand (G>A on the coding strand, the complement: MYH6 is on the minus strand). VCF-style: chr14-23393437-C-T. GRCh37 (hg19) VCF-style: chr14-23862646-C-T.
Other names: short protein forms A1004T.
Identifiers: ClinVar variation 2102119 (VCV002102119.4), dbSNP rs143978652, ClinGen allele CA389010892.

ClinVar aggregate classification (germline): Uncertain significance (1 of 4 stars; one submission).

Conditions:
Hypertrophic cardiomyopathy 14. Identifiers: MedGen C2750467, MONDO:0013197, OMIM 613251.

gnomAD v4.1: 2 of 1,614,160 alleles (0.00012%); highest among the groups gnomAD compares: Admixed American, 0.0017%; no homozygotes.

Submission:

Labcorp Genetics (formerly Invitae), Labcorp
Classification: Uncertain significance for Hypertrophic cardiomyopathy 14. Last evaluated: 2022-05-14. Review status: criteria provided, single submitter. Criteria: Invitae Variant Classification Sherloc (09022015). Collection method: clinical testing. Allele origin: germline.
Comment: In summary, the available evidence is currently insufficient to determine the role of this variant in disease. Therefore, it has been classified as a Variant of Uncertain Significance. Algorithms developed to predict the effect of missense changes on protein structure and function (SIFT, PolyPhen-2, Align-GVGD) all suggest that this variant is likely to be tolerated. This variant has not been reported in the literature in individuals affected with MYH6-related conditions. This variant is present in population databases (no rsID available, gnomAD 0.003%). This sequence change replaces alanine, which is neutral and non-polar, with threonine, which is neutral and polar, at codon 1004 of the MYH6 protein (p.Ala1004Thr).